The following is an entry in ClinVar:

ClinVar aggregate classification (germline): Uncertain significance. Review status: criteria provided, multiple submitters, no conflicts (2 of 4 stars). 5 submissions from 5 submitters: Uncertain significance (5). Last evaluated 2025-12-11.

Conditions:
Frasier syndrome. Identifiers: Orphanet 347, MedGen C0950122, MeSH D052159, MONDO:0007635, OMIM 136680.
Drash syndrome (DDS). Also called: WILMS TUMOR AND PSEUDO- OR TRUE HERMAPHRODITISM; NEPHROPATHY, WILMS TUMOR, AND GENITAL ANOMALIES. Identifiers: Orphanet 220, MedGen C0950121, MONDO:0008682, OMIM 194080.
Wilms tumor 1 (WT1). Also called: Wilms tumor, somatic. Identifiers: Orphanet 654, MedGen CN033288, MONDO:0008679, OMIM 194070.
11p partial monosomy syndrome (WAGR). Also called: WAGR Complex; WAGR syndrome; CHROMOSOME 11p13 DELETION SYNDROME; WAGR Spectrum Disorder. Identifiers: Orphanet 893, MedGen C0206115, MONDO:0008681, OMIM 194072.
Inborn genetic diseases. Identifiers: MedGen C0950123, MeSH D030342.

Allele frequency attached by ClinVar (database versions not stated): gnomAD 0.00001.
gnomAD v4.1: 2 of 1,490,300 alleles (0.00013%); highest among the groups gnomAD compares: East Asian, 0.0027%; no homozygotes.

Submissions (5):

Ambry Genetics
Classification: Uncertain significance for Inborn genetic diseases. Last evaluated: 2025-12-11. Review status: criteria provided, single submitter. Criteria: Ambry Variant Classification Scheme 2023. Collection method: clinical testing. Allele origin: germline.

St. Jude Molecular Pathology, St. Jude Children's Research Hospital
Classification: Uncertain significance for Wilms tumor 1. Last evaluated: 2024-05-29. Review status: criteria provided, single submitter. Criteria: St. Jude Assertion Criteria 2020. Collection method: clinical testing. Allele origin: germline.
Comment: The WT1 c.284G>T (p.Gly95Val) missense change has an overall frequency of 0.064% in gnomAD v2.1.1. The in silico tool REVEL is inconclusive about a pathogenic or benign effect of this variant on protein function, and to our knowledge, functional studies have not been performed. To our knowledge, this variant has not been reported in individuals with WT1-related conditions. In summary, the evidence currently available is insufficient to determine the clinical significance of this variant. It has therefore been classified as of uncertain significance.

All of Us Research Program, National Institutes of Health
Classification: Uncertain significance for Wilms tumor 1. Last evaluated: 2023-12-13. Review status: criteria provided, single submitter. Criteria: ACMG Guidelines, 2015. Collection method: clinical testing. Allele origin: germline. Inheritance: Autosomal dominant inheritance. Observed: 1 variant allele, 1 heterozygote.
Comment: This missense variant replaces glycine with valine at codon 90 of the WT1 protein. Computational prediction is inconclusive regarding the impact of this variant on protein structure and function. To our knowledge, functional studies have not been reported for this variant. This variant has not been reported in individuals affected with WT1-related disorders in the literature. This variant has been identified in 1/31128 chromosomes in the general population by the Genome Aggregation Database (gnomAD). The available evidence is insufficient to determine the role of this variant in disease conclusively. Therefore, this variant is classified as a Variant of Uncertain Significance.

This study involves interpretation of variants in research participants for the purpose of population health screening. Participant phenotype was not available at the time of variant classification. Additional details can be found in publication PMID: 35346344, PMCID: PMC8962531

Labcorp Genetics (formerly Invitae), Labcorp
Classification: Uncertain significance for Wilms tumor 1; Drash syndrome; 11p partial monosomy syndrome; Frasier syndrome. Last evaluated: 2023-11-02. Review status: criteria provided, single submitter. Criteria: Invitae Variant Classification Sherloc (09022015). Collection method: clinical testing. Allele origin: germline.
Comment: This sequence change replaces glycine, which is neutral and non-polar, with valine, which is neutral and non-polar, at codon 90 of the WT1 protein (p.Gly90Val). This variant is present in population databases (no rsID available, gnomAD 0.06%). This variant has not been reported in the literature in individuals affected with WT1-related conditions. ClinVar contains an entry for this variant (Variation ID: 1359817). An algorithm developed to predict the effect of missense changes on protein structure and function (PolyPhen-2) suggests that this variant is likely to be disruptive. In summary, the available evidence is currently insufficient to determine the role of this variant in disease. Therefore, it has been classified as a Variant of Uncertain Significance.

GeneDx
Classification: Uncertain significance. Last evaluated: 2022-10-07. Review status: criteria provided, single submitter. Criteria: GeneDx Variant Classification Process June 2021. Collection method: clinical testing. Allele origin: germline. Affected: yes.
Comment: Not observed at significant frequency in large population cohorts (gnomAD); In silico analysis supports that this missense variant does not alter protein structure/function; Has not been previously published as pathogenic or benign to our knowledge

NM_024426.6(WT1):c.284G>T (p.Gly95Val)

Genes: WT1 (WT1 transcription factor; minus strand), LOC107982234 (WT1/WT1-AS bi-directional promoter region; plus strand). Cytogenetic location: 11p13.
Variant type: single nucleotide variant.
Coding change: c.284G>T on transcript NM_024426.6 (MANE Select); coding-DNA position 284, G replaced by T.
Protein change: p.Gly95Val; replaces glycine 95 with valine.
Molecular consequence: missense variant. On other transcripts: non-coding transcript variant (1).
Genome position (GRCh38, 1-based): chr11:32,435,077, C>A on the plus strand (G>T on the coding strand, the complement: WT1 is on the minus strand). VCF-style: chr11-32435077-C-A. GRCh37 (hg19) VCF-style: chr11-32456623-C-A.
Other names: c.269G>T (NM_024426.4); c.284G>T, p.Gly95Val (NM_000378.6, NM_024424.5); short protein forms G95V.
Identifiers: ClinVar variation 1359817 (VCV001359817.13), dbSNP rs1454795891, ClinGen allele CA379966004.